The following is an entry in ClinVar:

NM_001009944.3(PKD1):c.6406C>T (p.Gln2136Ter)

Gene: PKD1 (polycystin 1, transient receptor potential channel interacting; minus strand). Cytogenetic location: 16p13.3.
Variant type: single nucleotide variant.
Coding change: c.6406C>T on transcript NM_001009944.3 (MANE Select); coding-DNA position 6406, C replaced by T.
Protein change: p.Gln2136Ter; replaces glutamine 2136 with a stop codon.
Molecular consequence: nonsense.
Genome position (GRCh38, 1-based): chr16:2,108,761, G>A on the plus strand (C>T on the coding strand, the complement: PKD1 is on the minus strand). VCF-style: chr16-2108761-G-A. GRCh37 (hg19) VCF-style: chr16-2158762-G-A.
Other names: c.6406C>T, p.Gln2136Ter (NM_000296.4); c.6406C>T (NM_001009944.2); short protein forms Q2136*.
Identifiers: ClinVar variation 997174 (VCV000997174.8), dbSNP rs2092425533, ClinGen allele CA394373620.

ClinVar aggregate classification (germline): Pathogenic. Review status: criteria provided, multiple submitters, no conflicts (2 of 4 stars). 7 submissions from 7 submitters: Pathogenic (6). 1 of the submissions does not count toward it. Last evaluated 2026-03-30.

Conditions:
PKD1-related disorder. Also called: PKD1-related condition.
Polycystic kidney disease, adult type (PKD1). Also called: POLYCYSTIC KIDNEY DISEASE, ADULT, TYPE I; POLYCYSTIC KIDNEY DISEASE 1 WITH OR WITHOUT POLYCYSTIC LIVER DISEASE; Polycystic Kidney Disease 1, Autosomal Dominant; Polycystic kidney disease 1; Polycystic kidney disease 1, severe; Polycystic Kidney, Autosomal Dominant. Identifiers: MedGen C3149841, MONDO:0008263, OMIM 173900.
Polycystic kidney disease. Also called: Polycystic kidney dysplasia; Kidney, Polycystic. Identifiers: MedGen C0022680, MeSH D007690, MONDO:0020642, HP:0000113.

Allele frequency attached by ClinVar (database versions not stated): gnomAD exomes below 0.00001.
gnomAD v4.1: 2 of 1,570,462 alleles (0.00013%); highest among the groups gnomAD compares: Non-Finnish European, 0.00017%; no homozygotes.

Submissions (7):

Victorian Clinical Genetics Services, Murdoch Childrens Research Institute
Classification: Pathogenic for Polycystic kidney disease, adult type. Last evaluated: 2026-03-30. Review status: criteria provided, single submitter. Criteria: ACMG Guidelines, 2015. Collection method: clinical testing. Allele origin: germline. Affected: yes.
Comment: This variant is classified as Pathogenic. Evidence in support of pathogenic classification: Variant is predicted to cause nonsense-mediated decay (NMD) and loss of protein (premature termination codon is located at least 54 nucleotides upstream of the final exon-exon junction); Variant is present in gnomAD <0.001 for a dominant condition (v4: 2 heterozygote(s), 0 homozygote(s)); This variant has moderate previous evidence of pathogenicity in unrelated individuals. This variant has been classified as pathogenic by clinical laboratories in ClinVar; Other NMD-predicted variant(s) comparable to the one identified in this case have very strong previous evidence for pathogenicity (DECIPHER). Additional information: This variant is heterozygous; This gene is associated with autosomal dominant disease. Polycystic kidney disease 1 (MIM#173900) is predominantly caused by monoallelic variants, with rare reports of biallelic variants causing disease (OMIM); Loss of function is a known mechanism of disease in this gene and is associated with polycystic kidney disease 1 (MIM#173900); Inheritance information for this variant is not currently available in this individual.

PreventionGenetics, part of Exact Sciences
Classification: Pathogenic for PKD1-related condition. Last evaluated: 2025-06-30. Review status: criteria provided, single submitter. Criteria: ACMG Guidelines, 2015. Collection method: clinical testing. Allele origin: germline.
Comment: The PKD1 c.6406C>T variant is predicted to result in premature protein termination (p.Gln2136*). This variant was reported in individuals with polycystic kidney disease (Supplementary Table S2, Hwang et al. 2016. PubMed ID: 26453610; Ranjzad et al. 2018. PubMed ID: 29590654). This variant has not been reported in a large population database (gnomAD), indicating this variant is rare. Nonsense variants in PKD1 are expected to be pathogenic. This variant is interpreted as pathogenic.

Blueprint Genetics
Classification: Pathogenic for PKD1-related disorders. Last evaluated: 2024-11-05. Review status: criteria provided, single submitter. Criteria: ACMG Guidelines, 2015. Collection method: clinical testing. Allele origin: germline. Affected: yes. Observed: 3 variant alleles.

Fulgent Genetics
Classification: Pathogenic for Polycystic kidney disease, adult type. Last evaluated: 2024-02-29. Review status: criteria provided, single submitter. Criteria: ACMG Guidelines, 2015. Collection method: clinical testing. Allele origin: germline.

GeneDx
Classification: Pathogenic. Last evaluated: 2023-08-31. Review status: criteria provided, single submitter. Criteria: GeneDx Variant Classification Process June 2021. Collection method: clinical testing. Allele origin: germline. Affected: yes.
Comment: Nonsense variant predicted to result in protein truncation or nonsense mediated decay in a gene for which loss-of-function is a known mechanism of disease; Not observed at significant frequency in large population cohorts (gnomAD); This variant is associated with the following publications: (PMID: 26453610, 29590654, 34713645, 36883921)

Juno Genomics, Hangzhou Juno Genomics, Inc
Classification: Pathogenic for Polycystic kidney disease, adult type. Review status: criteria provided, single submitter. Criteria: ACMG Guidelines, 2015. Collection method: clinical testing. Allele origin: germline. Affected: yes.
Comment: Absent from controls (or at extremely low frequency if recessive) in Genome Aggregation Database.;Null variant in a gene where loss of function (LOF) is a known mechanism of disease.;Co-segregation with disease in multiple affected family members.;The prevalence of the variant in affected individuals is significantly increased compared to the prevalence in controls.;Patient's phenotype or family history is highly specific for a disease with a single genetic etiology.

Department of Pathology and Laboratory Medicine, Sinai Health System
Classification: Pathogenic for Polycystic Kidney disease. Review status: no assertion criteria provided. Collection method: clinical testing. Allele origin: unknown. Affected: yes. Study: The Canadian Open Genetics Repository (COGR). Not counted in ClinVar's aggregate classification.
Comment: The PKD1 p.Gln2136X variant was not identified in the literature, nor was it identified in dbSNP, the 1000 Genomes Project, the NHLBI Exome Sequencing Project, the Exome Aggregation Consortium, the Genome Aggregation Consortium, GeneInsight COGR, ClinVar, Clinvitae, MutDB, PKD1-LOVD, or PKD1-LOVD 3.0. The variant was identified in the ADPKD Mutation Database 3x classified as pathogenic. The p.Gln2136X variant leads to a premature stop codon at position 2136, which is predicted to lead to a truncated or absent protein and loss of function. Loss of function variants of the PKD1 gene are an established mechanism of disease in autosomal dominant polycystic kidney disease and is the type of variant expected to cause the disorder. In summary, based on the above information, this variant meets our laboratoryâ€šÃ„Ã´s criteria to be classified as pathogenic.